The following is an entry in ClinVar:

NM_001039591.3(USP9X):c.209C>G (p.Thr70Ser)

Gene: USP9X (ubiquitin specific peptidase 9 X-linked; plus strand). Cytogenetic location: Xp11.4.
Variant type: single nucleotide variant.
Coding change: c.209C>G on transcript NM_001039591.3 (MANE Select); coding-DNA position 209, C replaced by G.
Protein change: p.Thr70Ser; replaces threonine 70 with serine.
Molecular consequence: missense variant.
Genome position (GRCh38, 1-based): chrX:41,129,112, C>G. VCF-style: chrX-41129112-C-G. GRCh37 (hg19) VCF-style: chrX-40988365-C-G.
Other names: c.209C>G, p.Thr70Ser (NM_001039590.3, NM_001410748.1, NM_001410749.1); short protein forms T70S.
Identifiers: ClinVar variation 2504555 (VCV002504555.4), dbSNP rs2519087832, ClinGen allele CA412760552.

ClinVar aggregate classification (germline): Uncertain significance. Review status: criteria provided, multiple submitters, no conflicts (2 of 4 stars). 2 submissions from 2 submitters: Uncertain significance (2). Last evaluated 2023-05-30.

Submissions (2):

GeneDx
Classification: Uncertain significance. Last evaluated: 2023-05-30. Review status: criteria provided, single submitter. Criteria: GeneDx Variant Classification Process June 2021. Collection method: clinical testing. Allele origin: germline. Affected: yes.
Comment: Not observed in large population cohorts (gnomAD); If this variant does not affect splicing, it will result in a missense substitution. In silico analysis supports that this missense variant does not alter protein structure/function.; Has not been previously published as pathogenic or benign to our knowledge

Labcorp Genetics (formerly Invitae), Labcorp
Classification: Uncertain significance. Last evaluated: 2023-03-16. Review status: criteria provided, single submitter. Criteria: Invitae Variant Classification Sherloc (09022015). Collection method: clinical testing. Allele origin: germline.
Comment: This variant has not been reported in the literature in individuals affected with USP9X-related conditions. An algorithm developed to predict the effect of missense changes on protein structure and function (PolyPhen-2) suggests that this variant is likely to be tolerated. In summary, the available evidence is currently insufficient to determine the role of this variant in disease. Therefore, it has been classified as a Variant of Uncertain Significance. This variant is not present in population databases (gnomAD no frequency). This sequence change replaces threonine, which is neutral and polar, with serine, which is neutral and polar, at codon 70 of the USP9X protein (p.Thr70Ser).